The following is an entry in ClinVar:

NM_000329.3(RPE65):c.781del (p.Leu261fs)

Gene: RPE65 (retinoid isomerohydrolase RPE65; minus strand). Cytogenetic location: 1p31.3.
Variant type: Deletion.
Coding change: c.781del on transcript NM_000329.3 (MANE Select); coding-DNA position 781, one base deleted (C; older notation c.781delC).
Protein change: p.Leu261fs; shifts the reading frame from leucine 261.
Molecular consequence: frameshift variant.
Genome position (GRCh38, 1-based): chr1:68,439,268, G deleted on the plus strand (C on the coding strand, the reverse complement: RPE65 is on the minus strand); the first of 2 consecutive G bases (chr1:68,439,268-68,439,269); deleting either gives the same sequence. VCF-style (leftmost placement, unchanged base first): chr1-68439267-AG-A. GRCh37 (hg19) VCF-style: chr1-68904950-AG-A.
Other names: c.673del, p.Leu225fs (NM_001406853.1); c.505del, p.Leu169fs (NM_001406856.1, NM_001406857.1); c.781del, p.Leu261fs (NM_001406859.1); short protein forms L169fs, L225fs, L261fs.
Identifiers: ClinVar variation 4818177 (VCV004818177.1).

ClinVar aggregate classification (germline): Likely pathogenic (1 of 4 stars; one submission).

Conditions:
Leber congenital amaurosis (LCA). Also called: Leber's amaurosis. Identifiers: Orphanet 65, MedGen C0339527, MeSH D057130, MONDO:0018998.

Submission:

Natera, Inc.
Classification: Likely pathogenic for Leber congenital amaurosis. Last evaluated: 2024-12-12. Review status: criteria provided, single submitter. Criteria: Natera Variant Classification Schema (03/2026). Collection method: clinical testing. Allele origin: germline.
Comment: The c.781del variant in RPE65 is a frameshift variant predicted to shift the reading frame beginning at codon 261 and leads to a stop codon 64 codons downstream. This variant is expected to result in nonsense mediated decay, truncation, or a dysfunctional protein product. This variant is rare in the general population with a frequency below the threshold expected for the associated phenotype(s). Given the available evidence, this variant is classified as Likely Pathogenic.